The following is an entry in ClinVar:

NM_001042492.3(NF1):c.5802del (p.Phe1934fs)

Gene: NF1 (neurofibromin 1; plus strand). Cytogenetic location: 17q11.2.
Variant type: Deletion.
Coding change: c.5802del on transcript NM_001042492.3 (MANE Select); coding-DNA position 5802, one base deleted (T; older notation c.5802delT).
Protein change: p.Phe1934fs; shifts the reading frame from phenylalanine 1934.
Molecular consequence: frameshift variant.
Genome position (GRCh38, 1-based): chr17:31,330,488, T deleted; the last of 3 consecutive T bases (chr17:31,330,486-31,330,488); deleting any one gives the same sequence. VCF-style (leftmost placement, unchanged base first): chr17-31330485-AT-A. GRCh37 (hg19) VCF-style: chr17-29657503-AT-A.
Other names: c.5739delT (NM_000267.3); c.5739delT, p.Phe1913Leufs (NM_000267.4); short protein forms F1934fs, F1913fs.
Identifiers: ClinVar variation 643961 (VCV000643961.8), dbSNP rs1597834952, ClinGen allele CA915949863.

ClinVar aggregate classification (germline): Pathogenic/Likely pathogenic. Review status: criteria provided, multiple submitters, no conflicts (2 of 4 stars). 2 submissions from 2 submitters: Pathogenic (1); Likely pathogenic (1). Last evaluated 2022-11-10.

Conditions:
Neurofibromatosis, type 1 (NF1). Also called: Peripheral type neurofibromatosis; VON RECKLINGHAUSEN DISEASE; NEUROFIBROMATOSIS, TYPE I, SOMATIC; Neurofibromatosis, type I. Identifiers: Orphanet 636, MedGen C0027831, MONDO:0018975, OMIM 162200. Disease mechanism: loss of function.

Submissions (2):

Labcorp Genetics (formerly Invitae), Labcorp
Classification: Pathogenic for Neurofibromatosis, type 1. Last evaluated: 2022-11-10. Review status: criteria provided, single submitter. Criteria: Invitae Variant Classification Sherloc (09022015). Collection method: clinical testing. Allele origin: germline.
Comment: This sequence change creates a premature translational stop signal (p.Phe1913Leufs*8) in the NF1 gene. It is expected to result in an absent or disrupted protein product. Loss-of-function variants in NF1 are known to be pathogenic (PMID: 10712197, 23913538). This variant is not present in population databases (gnomAD no frequency). This variant has not been reported in the literature in individuals affected with NF1-related conditions. ClinVar contains an entry for this variant (Variation ID: 643961). For these reasons, this variant has been classified as Pathogenic.

Genesis Genomics
Classification: Likely pathogenic for Neurofibromatosis, type 1. Review status: criteria provided, single submitter. Criteria: ACMG Guidelines, 2015. Collection method: clinical testing. Allele origin: germline. Affected: yes. Observed: 1 variant allele.

Literature cited by the submitters: PubMed 10712197 (cited by Labcorp Genetics (formerly Invitae), Labcorp); PubMed 23913538 (cited by Labcorp Genetics (formerly Invitae), Labcorp).